The following is an entry in ClinVar:

NM_001145026.2(PTPRQ):c.6208A>G (p.Asn2070Asp)

Gene: PTPRQ (protein tyrosine phosphatase receptor type Q; plus strand). Cytogenetic location: 12q21.31.
Variant type: single nucleotide variant.
Coding change: c.6208A>G on transcript NM_001145026.2 (MANE Select); coding-DNA position 6208, A replaced by G.
Protein change: p.Asn2070Asp; replaces asparagine 2070 with aspartic acid.
Molecular consequence: missense variant.
Genome position (GRCh38, 1-based): chr12:80,669,022, A>G. VCF-style: chr12-80669022-A-G. GRCh37 (hg19) VCF-style: chr12-81062801-A-G.
Other names: short protein forms N2070D.
Identifiers: ClinVar variation 3369618 (VCV003369618.1).
Genomic context (GRCh38, chr12:80,669,022, plus strand): 5'-ATCTGTGAACACAGTGATGCAGTGTTTGTAATTATATCCTTCTAGGGTTATTTATGTCCA[A>G]ATGAATTTATTGCTACTCAAGGTCCACTACCAGGAACAGTTGGAGATTTTTGGAGAATGG-3'
Protein context (NP_001138498.1, residues 2060-2080): ASYISGYLCP[Asn2070Asp]EFIATQGPLP

ClinVar aggregate classification (germline): Uncertain significance (1 of 4 stars; one submission).

Submission:

GeneDx
Classification: Uncertain significance. Last evaluated: 2024-04-24. Review status: criteria provided, single submitter. Criteria: GeneDx Variant Classification Process June 2021. Collection method: clinical testing. Allele origin: germline. Affected: yes.
Comment: In silico analysis supports that this missense variant has a deleterious effect on protein structure/function; Has not been previously published as pathogenic or benign to our knowledge